The following is an entry in ClinVar:

NM_001903.5(CTNNA1):c.350C>G (p.Ser117Cys)

Gene: CTNNA1 (catenin alpha 1; plus strand). Cytogenetic location: 5q31.2.
Variant type: single nucleotide variant.
Coding change: c.350C>G on transcript NM_001903.5 (MANE Select); coding-DNA position 350, C replaced by G.
Protein change: p.Ser117Cys; replaces serine 117 with cysteine.
Molecular consequence: missense variant. On other transcripts: intron variant (1).
Genome position (GRCh38, 1-based): chr5:138,810,086, C>G. VCF-style: chr5-138810086-C-G. GRCh37 (hg19) VCF-style: chr5-138145775-C-G.
Other names: c.350C>G, p.Ser117Cys (NM_001290307.3, NM_001323982.2, NM_001323983.1 and 3 more transcripts); c.41C>G, p.Ser14Cys (NM_001290309.3); c.-5-15C>G (NM_001290310.3); c.350C>G (NM_001903.4); short protein forms S117C, S14C.
Identifiers: ClinVar variation 652236 (VCV000652236.19), dbSNP rs766845544, ClinGen allele CA3431428.

ClinVar aggregate classification (germline): Uncertain significance. Review status: criteria provided, multiple submitters, no conflicts (2 of 4 stars). 7 submissions from 7 submitters: Uncertain significance (7). Last evaluated 2025-12-24.

Conditions:
Patterned macular dystrophy 2. Identifiers: Orphanet 99001, MedGen C1837029, MONDO:0012162, OMIM 608970.
Hereditary cancer-predisposing syndrome. Also called: Neoplastic Syndromes, Hereditary; Tumor predisposition; Hereditary neoplastic syndrome; Hereditary Cancer Syndrome. Identifiers: Orphanet 140162, MedGen C0027672, MeSH D009386, MONDO:0015356.
CTNNA1-related disorder. Also called: CTNNA1-related condition.

Allele frequency attached by ClinVar (database versions not stated): gnomAD exomes below 0.00001; ExAC 0.00001.
gnomAD v4.1: 47 of 1,614,008 alleles (0.0029%); highest among the groups gnomAD compares: Non-Finnish European, 0.0035%; no homozygotes.

Submissions (7):

Labcorp Genetics (formerly Invitae), Labcorp
Classification: Uncertain significance. Last evaluated: 2025-12-24. Review status: criteria provided, single submitter. Criteria: Invitae Variant Classification Sherloc (09022015). Collection method: clinical testing. Allele origin: germline.
Comment: This sequence change replaces serine, which is neutral and polar, with cysteine, which is neutral and slightly polar, at codon 117 of the CTNNA1 protein (p.Ser117Cys). This variant is present in population databases (rs766845544, gnomAD 0.0009%). This variant has not been reported in the literature in individuals affected with CTNNA1-related conditions. ClinVar contains an entry for this variant (Variation ID: 652236). Invitae Evidence Modeling of protein sequence and biophysical properties (such as structural, functional, and spatial information, amino acid conservation, physicochemical variation, residue mobility, and thermodynamic stability) indicates that this missense variant is not expected to disrupt CTNNA1 protein function with a negative predictive value of 80%. In summary, the available evidence is currently insufficient to determine the role of this variant in disease. Therefore, it has been classified as a Variant of Uncertain Significance.

Ambry Genetics
Classification: Uncertain significance for Hereditary cancer-predisposing syndrome. Last evaluated: 2025-11-20. Review status: criteria provided, single submitter. Criteria: Ambry Variant Classification Scheme 2023. Collection method: clinical testing. Allele origin: germline.

GeneDx
Classification: Uncertain significance. Last evaluated: 2025-04-11. Review status: criteria provided, single submitter. Criteria: GeneDx Variant Classification Process June 2021. Collection method: clinical testing. Allele origin: germline.
Comment: Not observed at significant frequency in large population cohorts (gnomAD); In silico analysis supports that this missense variant has a deleterious effect on protein structure/function; Observed in individuals undergoing multi-gene hereditary cancer panel testing (PMID: 32051609); This variant is associated with the following publications: (PMID: 32051609)

PreventionGenetics, part of Exact Sciences
Classification: Uncertain significance for CTNNA1-related condition. Last evaluated: 2025-03-31. Review status: criteria provided, single submitter. Criteria: ACMG Guidelines, 2015. Collection method: clinical testing. Allele origin: germline.
Comment: The CTNNA1 c.350C>G variant is predicted to result in the amino acid substitution p.Ser117Cys. This variant has been reported in 14 alleles in a cohort of individuals with gastric and/or breast cancer (Clark et al. 2020. PubMed ID: 32051609). This variant is reported in 0.00088% of alleles in individuals of European (Non-Finnish) descent in gnomAD. This variant is interpreted as variant of uncertain significance in ClinVar. At this time, the clinical significance of this variant is uncertain due to the absence of conclusive functional and genetic evidence.

ARUP Laboratories, Molecular Genetics and Genomics, ARUP Laboratories
Classification: Uncertain significance for Patterned macular dystrophy 2. Last evaluated: 2024-10-18. Review status: criteria provided, single submitter. Criteria: ARUP Molecular Germline Variant Investigation Process 2024. Collection method: clinical testing. Allele origin: germline.
Comment: The CTNNA1 c.350C>G; p.Ser117Cys variant (rs766845544), to our knowledge, is not reported in the medical literature in individuals affected with CTNNA1-related conditions but is reported in ClinVar (Variation ID: 652236). This variant is only observed on one allele in the Genome Aggregation Database (v2.1.1), indicating it is not a common polymorphism. Computational analyses are uncertain whether this variant is neutral or deleterious (REVEL: 0.349). Due to limited information, the clinical significance of this variant is uncertain at this time.

Blueprint Genetics
Classification: Uncertain significance. Last evaluated: 2024-10-07. Review status: criteria provided, single submitter. Criteria: ACMG Guidelines, 2015. Collection method: clinical testing. Allele origin: germline.

Baylor Genetics
Classification: Uncertain significance for Patterned macular dystrophy 2. Last evaluated: 2023-08-20. Review status: criteria provided, single submitter. Criteria: ACMG Guidelines, 2015. Collection method: clinical testing. Allele origin: unknown.